The following is an entry in ClinVar:

ClinVar aggregate classification (germline): Uncertain significance (1 of 4 stars; one submission).

Conditions:
Glycine encephalopathy. Also called: Non-ketotic hyperglycinemia; Nonketotic hyperglycinemia. Identifiers: Orphanet 407, MedGen C0751748, MONDO:0011612, HP:0008288.

Submission:

Labcorp Genetics (formerly Invitae), Labcorp
Classification: Uncertain significance for Glycine encephalopathy. Last evaluated: 2022-05-07. Review status: criteria provided, single submitter. Criteria: Invitae Variant Classification Sherloc (09022015). Collection method: clinical testing. Allele origin: germline.
Comment: This sequence change replaces alanine, which is neutral and non-polar, with serine, which is neutral and polar, at codon 49 of the GLDC protein (p.Ala49Ser). This variant is not present in population databases (gnomAD no frequency). This variant has not been reported in the literature in individuals affected with GLDC-related conditions. Advanced modeling of protein sequence and biophysical properties (such as structural, functional, and spatial information, amino acid conservation, physicochemical variation, residue mobility, and thermodynamic stability) performed at Invitae indicates that this missense variant is not expected to disrupt GLDC protein function. In summary, the available evidence is currently insufficient to determine the role of this variant in disease. Therefore, it has been classified as a Variant of Uncertain Significance.

NM_000170.3(GLDC):c.145G>T (p.Ala49Ser)

Gene: GLDC (glycine decarboxylase; minus strand). Cytogenetic location: 9p24.1.
Variant type: single nucleotide variant.
Coding change: c.145G>T on transcript NM_000170.3 (MANE Select); coding-DNA position 145, G replaced by T.
Protein change: p.Ala49Ser; replaces alanine 49 with serine.
Molecular consequence: missense variant.
Genome position (GRCh38, 1-based): chr9:6,645,355, C>A on the plus strand (G>T on the coding strand, the complement: GLDC is on the minus strand). VCF-style: chr9-6645355-C-A. GRCh37 (hg19) VCF-style: chr9-6645355-C-A.
Other names: short protein forms A49S.
Identifiers: ClinVar variation 1949567 (VCV001949567.2), dbSNP rs2489162611, ClinGen allele CA372886857.
Genomic context (GRCh38, chr9:6,645,355, plus strand): 5'-CGATGTGCCTCCGAGCGAAGTCGTCGTGTCTGGGCAGAAGGCGCTCCAGGAGGCGCGAGG[C>A]CCCAGCCGCGGCGCTGTCCCCGCCGCCACTGCTGCTGTCCCGGCTCCGCGGCGCCCAGCA-3'
Protein context (NP_000161.2, residues 39-59): SGGGDSAAAG[Ala49Ser]SRLLERLLPR